The following is an entry in ClinVar:

NM_000548.5(TSC2):c.2220+2T>C

Gene: TSC2 (TSC complex subunit 2; plus strand). Cytogenetic location: 16p13.3.
Variant type: single nucleotide variant.
Coding change: c.2220+2T>C on transcript NM_000548.5 (MANE Select); the canonical splice donor site of the intron after coding-DNA position 2220, T replaced by C.
Molecular consequence: splice donor variant.
Genome position (GRCh38, 1-based): chr16:2,072,365, T>C. VCF-style: chr16-2072365-T-C. GRCh37 (hg19) VCF-style: chr16-2122366-T-C.
Other names: c.876+2T>C (NM_001406693.1, NM_001406689.1, NM_001406690.1 and 6 more transcripts); c.2310+2T>C (NM_001406667.1, NM_001406668.1); c.1620+2T>C (NM_001406680.1, NM_001406683.1, NM_001406687.1 and 6 more transcripts); c.618+2T>C (NM_001406698.1); c.2220+2T>C (NM_001114382.3, NM_001406663.1, NM_001406664.1 and 6 more transcripts); c.2208+2T>C (NM_001406671.1, NM_001406673.1); c.1758+2T>C (NM_001406681.1); c.2109+2T>C (NM_001406670.1, NM_001318827.2, NM_001406678.1); and 3 more.
Identifiers: ClinVar variation 1696846 (VCV001696846.1), dbSNP rs397515121, ClinGen allele CA394275196.

ClinVar aggregate classification (germline): Pathogenic (1 of 4 stars; one submission).

Conditions:
Tuberous sclerosis 2 (TSC2). Identifiers: Orphanet 805, MedGen C1860707, MONDO:0013199, OMIM 613254.

Submission:

Division of Genomic Medicine, Department of Advanced Medicine, Medical Research Institute, Kanazawa Medical University
Classification: Pathogenic for Tuberous sclerosis 2. Last evaluated: 2022-07-19. Review status: criteria provided, single submitter. Criteria: ACMG Guidelines, 2015. Collection method: clinical testing. Allele origin: germline. Affected: yes. Observed: 1 variant allele.
Comment: This variant cause TSC2 exon 20 skip in mRNA level (123 bp deletion) and inframe deletion of 41 amino acids included in Hamartin binding domain. NM_000548.5:c.2220+2T>C r.2098_2220del p.Glu700_Met740del